The following is an entry in ClinVar:

NM_014875.3(KIF14):c.3661+1G>T

Gene: KIF14 (kinesin family member 14; minus strand). Cytogenetic location: 1q32.1.
Variant type: single nucleotide variant.
Coding change: c.3661+1G>T on transcript NM_014875.3 (MANE Select); the canonical splice donor site of the intron after coding-DNA position 3661, G replaced by T.
Molecular consequence: splice donor variant.
Genome position (GRCh38, 1-based): chr1:200,569,910, C>A on the plus strand (G>T on the coding strand, the complement: KIF14 is on the minus strand). VCF-style: chr1-200569910-C-A. GRCh37 (hg19) VCF-style: chr1-200539038-C-A.
Other names: c.2188+1G>T (NM_001305792.1).
Identifiers: ClinVar variation 1484531 (VCV001484531.6), dbSNP rs151249558, ClinGen allele CA1317197.

ClinVar aggregate classification (germline): Likely pathogenic. Review status: criteria provided, multiple submitters, no conflicts (2 of 4 stars). 3 submissions from 3 submitters: Likely pathogenic (3). Last evaluated 2024-09-10.

Conditions:
Joubert syndrome and related disorders. Identifiers: Orphanet 140874, MedGen C5679612, MONDO:0015369.
KIF14-related disorder. Also called: KIF14-related condition.

Allele frequency attached by ClinVar (database versions not stated): ExAC 0.00002; gnomAD exomes 0.00002 and 0.00004; TOPMed 0.00002; gnomAD 0.00003; ESP Exome Variant Server 0.00008.
gnomAD v4.1: 58 of 1,548,758 alleles (0.0037%); highest among the groups gnomAD compares: Non-Finnish European, 0.0049%; no homozygotes.

Submissions (4):

Women's Health and Genetics/Laboratory Corporation of America, LabCorp
Classification: Likely pathogenic for Joubert syndrome and related disorders. Last evaluated: 2024-09-10. Review status: criteria provided, single submitter. Criteria: LabCorp Variant Classification Summary - May 2015. Collection method: clinical testing. Allele origin: germline.
Comment: Variant summary: KIF14 c.3661+1G>T is located in a canonical splice-site and is predicted to affect mRNA splicing resulting in a significantly altered protein due to either exon skipping, shortening, or inclusion of intronic material. Variants that disrupt the consensus splice site are a relatively common cause of aberrant splicing and loss of KIF14 function. Several computational tools predict a significant impact on normal splicing: Three predict the variant abolishes a 5' splicing donor site. However, these predictions have yet to be confirmed by functional studies. The variant allele was found at a frequency of 1.8e-05 in 277756 control chromosomes. To our knowledge, no occurrence of c.3661+1G>T in individuals affected with Joubert Syndrome And Related Disorders and no experimental evidence demonstrating its impact on protein function have been reported. ClinVar contains an entry for this variant (Variation ID: 1484531). Based on the evidence outlined above, the variant was classified as likely pathogenic.

PreventionGenetics, part of Exact Sciences
Classification: Likely pathogenic for KIF14-related condition. Last evaluated: 2023-08-25. Review status: criteria provided, single submitter. Criteria: ACMG Guidelines, 2015. Collection method: clinical testing. Allele origin: germline.
Comment: The KIF14 c.3661+1G>T variant is predicted to disrupt the GT donor site and interfere with normal splicing. To our knowledge, this variant has not been reported in the literature. This variant is reported in 0.0039% of alleles in individuals of European (Non-Finnish) descent in gnomAD. Variants that disrupt the consensus splice donor site in KIF14 are expected to be pathogenic. This variant is interpreted as likely pathogenic.

Labcorp Genetics (formerly Invitae), Labcorp
Classification: Likely pathogenic. Last evaluated: 2021-12-03. Review status: criteria provided, single submitter. Criteria: Invitae Variant Classification Sherloc (09022015). Collection method: clinical testing. Allele origin: germline.
Comment: This sequence change affects a donor splice site in intron 23 of the KIF14 gene. It is expected to disrupt RNA splicing. Variants that disrupt the donor or acceptor splice site typically lead to a loss of protein function (PMID: 16199547), and loss-of-function variants in KIF14 are known to be pathogenic (PMID: 23308235, 29343805, 30388224). This variant is present in population databases (rs151249558, gnomAD 0.003%). This variant has not been reported in the literature in individuals affected with KIF14-related conditions. Algorithms developed to predict the effect of sequence changes on RNA splicing suggest that this variant may disrupt the consensus splice site. In summary, the currently available evidence indicates that the variant is pathogenic, but additional data are needed to prove that conclusively. Therefore, this variant has been classified as Likely Pathogenic.

Dr. Peter K. Rogan Lab, Western University
No classification provided (evidence only). Condition: Clear cell carcinoma of kidney. Review status: no classification provided. Collection method: in vitro. Allele origin: not applicable. Functional consequence: retained intron. Not counted in ClinVar's aggregate classification.

Literature cited by the submitters: PubMed 16199547 (cited by Labcorp Genetics (formerly Invitae), Labcorp); PubMed 23308235 (cited by Labcorp Genetics (formerly Invitae), Labcorp); PubMed 29343805 (cited by Labcorp Genetics (formerly Invitae), Labcorp); PubMed 30388224 (cited by Labcorp Genetics (formerly Invitae), Labcorp).